The following is an entry in ClinVar:

NM_000540.3(RYR1):c.13501C>A (p.Pro4501Thr)

Gene: RYR1 (ryanodine receptor 1; plus strand). Cytogenetic location: 19q13.2.
Variant type: single nucleotide variant.
Coding change: c.13501C>A on transcript NM_000540.3 (MANE Select); coding-DNA position 13501, C replaced by A.
Protein change: p.Pro4501Thr; replaces proline 4501 with threonine.
Molecular consequence: missense variant.
Genome position (GRCh38, 1-based): chr19:38,566,974, C>A. VCF-style: chr19-38566974-C-A. GRCh37 (hg19) VCF-style: chr19-39057614-C-A.
Other names: c.13486C>A, p.Pro4496Thr (NM_001042723.2); short protein forms P4496T, P4501T.
Identifiers: ClinVar variation 3073248 (VCV003073248.1), dbSNP rs1329121041, ClinGen allele CA405676544.

ClinVar aggregate classification (germline): Uncertain significance (1 of 4 stars; one submission).

Conditions:
Malignant hyperthermia, susceptibility to, 1 (MHS1). Also called: Anesthesia related hyperthermia; Malignant hyperpyrexia; Fulminating hyperpyrexia; Pharmacogenic myopathy; RYR1-Related Malignant Hyperthermia Susceptibility; Malignant hyperthermia suceptibility 1. Identifiers: Orphanet 423, MedGen C2930980, MONDO:0007783, OMIM 145600.

Allele frequency attached by ClinVar (database versions not stated): gnomAD 0.00001.
gnomAD v4.1: 1 of 1,596,550 alleles (0.000063%); highest among the groups gnomAD compares: African/African-American, 0.0013%; no homozygotes.

Submission:

All of Us Research Program, National Institutes of Health
Classification: Uncertain significance for Malignant hyperthermia, susceptibility to, 1. Last evaluated: 2023-08-28. Review status: criteria provided, single submitter. Criteria: ACMG Guidelines, 2015. Collection method: clinical testing. Allele origin: germline. Inheritance: Autosomal dominant inheritance. Observed: 1 variant allele, 1 heterozygote.
Comment: This missense variant replaces proline with threonine at codon 4501 of the RYR1 protein. Computational prediction suggests that this variant may not impact protein structure and function (internally defined REVEL score threshold <= 0.5, PMID: 27666373). To our knowledge, functional studies have not been reported for this variant. This variant has not been reported in individuals affected with RYR1-related disorders in the literature. This variant has been identified in 1/31332 chromosomes in the general population by the Genome Aggregation Database (gnomAD). The available evidence is insufficient to determine the role of this variant in disease conclusively. Therefore, this variant is classified as a Variant of Uncertain Significance.

This study involves interpretation of variants in research participants for the purpose of population health screening. Participant phenotype was not available at the time of variant classification. Additional details can be found in publication PMID: 35346344, PMCID: PMC8962531